The following is an entry in ClinVar:

NM_021926.4(ALX4):c.484G>A (p.Gly162Ser)

Gene: ALX4 (ALX homeobox 4; minus strand). Cytogenetic location: 11p11.2.
Variant type: single nucleotide variant.
Coding change: c.484G>A on transcript NM_021926.4 (MANE Select); coding-DNA position 484, G replaced by A.
Protein change: p.Gly162Ser; replaces glycine 162 with serine.
Molecular consequence: missense variant.
Genome position (GRCh38, 1-based): chr11:44,275,641, C>T on the plus strand (G>A on the coding strand, the complement: ALX4 is on the minus strand). VCF-style: chr11-44275641-C-T. GRCh37 (hg19) VCF-style: chr11-44297191-C-T.
Other names: short protein forms G162S.
Identifiers: ClinVar variation 2631424 (VCV002631424.1), dbSNP rs1267183405, ClinGen allele CA380182756.

ClinVar aggregate classification (germline): Uncertain significance (1 of 4 stars; one submission).

Conditions:
ALX4-related disorder. Also called: ALX4-related condition.

Allele frequency attached by ClinVar (database versions not stated): gnomAD exomes below 0.00001; TOPMed 0.00001.
gnomAD v4.1: 2 of 1,613,196 alleles (0.00012%); highest among the groups gnomAD compares: African/African-American, 0.0013%; no homozygotes.

Submission:

PreventionGenetics, part of Exact Sciences
Classification: Uncertain significance for ALX4-related condition. Last evaluated: 2023-08-12. Review status: criteria provided, single submitter. Criteria: ACMG Guidelines, 2015. Collection method: clinical testing. Allele origin: germline.
Comment: The ALX4 c.484G>A variant is predicted to result in the amino acid substitution p.Gly162Ser. To our knowledge, this variant has not been reported in the literature. This variant is reported in 0.00089% of alleles in individuals of European (Non-Finnish) descent in gnomAD. At this time, the clinical significance of this variant is uncertain due to the absence of conclusive functional and genetic evidence.